The following is an entry in ClinVar:

NM_000217.3(KCNA1):c.967A>G (p.Met323Val)

Gene: KCNA1 (potassium voltage-gated channel subfamily A member 1; plus strand). Cytogenetic location: 12p13.32.
Variant type: single nucleotide variant.
Coding change: c.967A>G on transcript NM_000217.3 (MANE Select); coding-DNA position 967, A replaced by G.
Protein change: p.Met323Val; replaces methionine 323 with valine.
Molecular consequence: missense variant.
Genome position (GRCh38, 1-based): chr12:4,912,345, A>G. VCF-style: chr12-4912345-A-G. GRCh37 (hg19) VCF-style: chr12-5021511-A-G.
Other names: short protein forms M323V.
Identifiers: ClinVar variation 4682352 (VCV004682352.1).

ClinVar aggregate classification (germline): Uncertain significance (1 of 4 stars; one submission).

Submission:

Athena Diagnostics
Classification: Uncertain significance. Last evaluated: 2025-07-18. Review status: criteria provided, single submitter. Criteria: Athena Diagnostics Criteria. Collection method: clinical testing. Allele origin: unknown.
Comment: Available data are insufficient to determine the clinical significance of the variant at this time. This variant has not been reported in large, multi-ethnic general populations. Polyphen and MutationTaster yielded discordant predictions regarding whether this amino acid change is damaging to the protein.